The following is an entry in ClinVar:

NM_015466.4(PTPN23):c.341A>G (p.Gln114Arg)

Gene: PTPN23 (protein tyrosine phosphatase non-receptor type 23; plus strand). Cytogenetic location: 3p21.31.
Variant type: single nucleotide variant.
Coding change: c.341A>G on transcript NM_015466.4 (MANE Select); coding-DNA position 341, A replaced by G.
Protein change: p.Gln114Arg; replaces glutamine 114 with arginine.
Molecular consequence: missense variant. On other transcripts: 5 prime UTR variant (1).
Genome position (GRCh38, 1-based): chr3:47,405,058, A>G. VCF-style: chr3-47405058-A-G. GRCh37 (hg19) VCF-style: chr3-47446548-A-G.
Other names: c.-38A>G (NM_001304482.2); short protein forms Q114R.
Identifiers: ClinVar variation 2096574 (VCV002096574.4), dbSNP rs763789256, ClinGen allele CA352541424.

ClinVar aggregate classification (germline): Uncertain significance (1 of 4 stars; one submission).

Submission:

Labcorp Genetics (formerly Invitae), Labcorp
Classification: Uncertain significance. Last evaluated: 2023-11-27. Review status: criteria provided, single submitter. Criteria: Invitae Variant Classification Sherloc (09022015). Collection method: clinical testing. Allele origin: germline.
Comment: This sequence change replaces glutamine, which is neutral and polar, with arginine, which is basic and polar, at codon 114 of the PTPN23 protein (p.Gln114Arg). This variant is not present in population databases (gnomAD no frequency). This variant has not been reported in the literature in individuals affected with PTPN23-related conditions. ClinVar contains an entry for this variant (Variation ID: 2096574). Experimental studies and prediction algorithms are not available or were not evaluated, and the functional significance of this variant is currently unknown. In summary, the available evidence is currently insufficient to determine the role of this variant in disease. Therefore, it has been classified as a Variant of Uncertain Significance.